The following is an entry in ClinVar:

ClinVar aggregate classification (germline): Uncertain significance. Review status: criteria provided, multiple submitters, no conflicts (2 of 4 stars). 2 submissions from 2 submitters: Uncertain significance (2). Last evaluated 2025-10-06.

Conditions:
Hereditary cancer-predisposing syndrome. Also called: Tumor predisposition; Hereditary Cancer Syndrome; Hereditary neoplastic syndrome; Neoplastic Syndromes, Hereditary. Identifiers: Orphanet 140162, MedGen C0027672, MeSH D009386, MONDO:0015356.
Hereditary pheochromocytoma and paraganglioma. Also called: Hereditary paragangliomas and pheochromocytomas; Hereditary pheochromocytoma-paraganglioma; Hereditary Paraganglioma-Pheochromocytoma Syndromes. Identifiers: Orphanet 29072, MedGen C4274332, MONDO:0017366.

Allele frequency attached by ClinVar (database versions not stated): TOPMed 0.00001.

Submissions (2):

Ambry Genetics
Classification: Uncertain significance for Hereditary cancer-predisposing syndrome. Last evaluated: 2025-10-06. Review status: criteria provided, single submitter. Criteria: Ambry Variant Classification Scheme 2023. Collection method: clinical testing. Allele origin: germline.
Comment: The p.R33L variant (also known as c.98G>T), located in coding exon 2 of the SDHAF2 gene, results from a G to T substitution at nucleotide position 98. The arginine at codon 33 is replaced by leucine, an amino acid with dissimilar properties. This amino acid position is not well conserved in available vertebrate species. In addition, the in silico prediction for this alteration is inconclusive. Since supporting evidence is limited at this time, the clinical significance of this alteration remains unclear.

Labcorp Genetics (formerly Invitae), Labcorp
Classification: Uncertain significance for Hereditary pheochromocytoma and paraganglioma. Last evaluated: 2024-02-23. Review status: criteria provided, single submitter. Criteria: Invitae Variant Classification Sherloc (09022015). Collection method: clinical testing. Allele origin: germline.
Comment: This sequence change replaces arginine, which is basic and polar, with leucine, which is neutral and non-polar, at codon 33 of the SDHAF2 protein (p.Arg33Leu). This variant is not present in population databases (gnomAD no frequency). This variant has not been reported in the literature in individuals affected with SDHAF2-related conditions. ClinVar contains an entry for this variant (Variation ID: 646160). An algorithm developed to predict the effect of missense changes on protein structure and function (PolyPhen-2) suggests that this variant is likely to be disruptive. In summary, the available evidence is currently insufficient to determine the role of this variant in disease. Therefore, it has been classified as a Variant of Uncertain Significance.

NM_017841.4(SDHAF2):c.98G>T (p.Arg33Leu)

Gene: SDHAF2 (succinate dehydrogenase complex assembly factor 2; plus strand). Cytogenetic location: 11q12.2.
Variant type: single nucleotide variant.
Coding change: c.98G>T on transcript NM_017841.4 (MANE Select); coding-DNA position 98, G replaced by T.
Protein change: p.Arg33Leu; replaces arginine 33 with leucine.
Molecular consequence: missense variant.
Genome position (GRCh38, 1-based): chr11:61,437,686, G>T. VCF-style: chr11-61437686-G-T. GRCh37 (hg19) VCF-style: chr11-61205158-G-T.
Other names: short protein forms R33L.
Identifiers: ClinVar variation 646160 (VCV000646160.15), dbSNP rs777442412, ClinGen allele CA380683038.